The following is an entry in ClinVar:

NM_005422.4(TECTA):c.1132G>A (p.Val378Met)

Genes: TBCEL-TECTA (TBCEL-TECTA readthrough; plus strand), TECTA (tectorin alpha; plus strand). Cytogenetic location: 11q23.3.
Variant type: single nucleotide variant.
Coding change: c.1132G>A on transcript NM_005422.4 (MANE Select); coding-DNA position 1132, G replaced by A.
Protein change: p.Val378Met; replaces valine 378 with methionine.
Molecular consequence: missense variant.
Genome position (GRCh38, 1-based): chr11:121,118,647, G>A. VCF-style: chr11-121118647-G-A. GRCh37 (hg19) VCF-style: chr11-120989356-G-A.
Other names: c.2089G>A, p.Val697Met (NM_001378761.1); short protein forms V378M, V697M.
Identifiers: ClinVar variation 1064945 (VCV001064945.16), dbSNP rs372860835, ClinGen allele CA6326680.

ClinVar aggregate classification (germline): Conflicting classifications of pathogenicity. Review status: criteria provided, conflicting classifications (1 of 4 stars). 5 submissions from 5 submitters: Uncertain significance (4); Likely benign (1). Last evaluated 2026-01-09.

Conditions:
Hearing impairment. Also called: Impaired Hearing. Identifiers: MedGen C1384666, MONDO:0005365, HP:0000365.

Allele frequency attached by ClinVar (database versions not stated): gnomAD exomes 0.00009 and 0.00018; ESP Exome Variant Server 0.00008; ExAC 0.00011.
gnomAD v4.1: 280 of 1,613,942 alleles (0.017%); highest among the groups gnomAD compares: Non-Finnish European, 0.023%; no homozygotes.

Submissions (5):

Labcorp Genetics (formerly Invitae), Labcorp
Classification: Likely benign. Last evaluated: 2026-01-09. Review status: criteria provided, single submitter. Criteria: Invitae Variant Classification Sherloc (09022015). Collection method: clinical testing. Allele origin: germline.

GeneDx
Classification: Uncertain significance. Last evaluated: 2024-02-13. Review status: criteria provided, single submitter. Criteria: GeneDx Variant Classification Process June 2021. Collection method: clinical testing. Allele origin: germline. Affected: yes.
Comment: In silico analysis supports that this missense variant does not alter protein structure/function; This variant is associated with the following publications: (PMID: 26969326, 34753855, 21520338, 31554319, 9590290)

Clinical Genetics Laboratory, Skane University Hospital Lund
Classification: Uncertain significance. Last evaluated: 2022-07-13. Review status: criteria provided, single submitter. Criteria: ACMG Guidelines, 2015. Collection method: clinical testing. Allele origin: germline. Affected: yes.

Department of Otolaryngology – Head & Neck Surgery, Cochlear Implant Center
Classification: Uncertain significance for Hearing impairment. Last evaluated: 2021-04-12. Review status: criteria provided, single submitter. Criteria: ClinGen HL ACMG Specifications v1. Collection method: clinical testing. Allele origin: germline. Affected: yes.
Comment: BP4_Supporting

Blueprint Genetics
Classification: Uncertain significance. Last evaluated: 2020-06-03. Review status: criteria provided, single submitter. Criteria: ACMG Guidelines, 2015. Collection method: clinical testing. Allele origin: germline.